The following is an entry in ClinVar:

ClinVar aggregate classification (germline): Uncertain significance (1 of 4 stars; one submission).

Submission:

Labcorp Genetics (formerly Invitae), Labcorp
Classification: Uncertain significance. Last evaluated: 2024-04-01. Review status: criteria provided, single submitter. Criteria: Invitae Variant Classification Sherloc (09022015). Collection method: clinical testing. Allele origin: germline.
Comment: This sequence change creates a premature translational stop signal (p.Cys393*) in the SRP72 gene. It is expected to result in an absent or disrupted protein product. However, the current clinical and genetic evidence is not sufficient to establish whether loss-of-function variants in SRP72 cause disease. This variant is not present in population databases (gnomAD no frequency). This variant has not been reported in the literature in individuals affected with SRP72-related conditions. In summary, the available evidence is currently insufficient to determine the role of this variant in disease. Therefore, it has been classified as a Variant of Uncertain Significance.

NM_006947.4(SRP72):c.1179T>A (p.Cys393Ter)

Gene: SRP72 (signal recognition particle 72; plus strand). Cytogenetic location: 4q12.
Variant type: single nucleotide variant.
Coding change: c.1179T>A on transcript NM_006947.4 (MANE Select); coding-DNA position 1179, T replaced by A.
Protein change: p.Cys393Ter; replaces cysteine 393 with a stop codon.
Molecular consequence: nonsense. On other transcripts: non-coding transcript variant (1).
Genome position (GRCh38, 1-based): chr4:56,487,968, T>A. VCF-style: chr4-56487968-T-A. GRCh37 (hg19) VCF-style: chr4-57354134-T-A.
Other names: c.996T>A, p.Cys332Ter (NM_001267722.2); short protein forms C332*, C393*.
Identifiers: ClinVar variation 3610730 (VCV003610730.2).